The following is an entry in ClinVar:

ClinVar aggregate classification (germline): Uncertain significance. Review status: criteria provided, multiple submitters, no conflicts (2 of 4 stars). 2 submissions from 2 submitters: Uncertain significance (2). Last evaluated 2023-12-25.

Conditions:
Familial adenomatous polyposis 1 (FAP1). Also called: FAMILIAL ADENOMATOUS POLYPOSIS 1, ATTENUATED; POLYPOSIS, ADENOMATOUS INTESTINAL. Identifiers: MedGen C2713442, MONDO:0021056, OMIM 175100. Disease mechanism: loss of function.

Submissions (2):

Labcorp Genetics (formerly Invitae), Labcorp
Classification: Uncertain significance for Familial adenomatous polyposis 1. Last evaluated: 2023-12-25. Review status: criteria provided, single submitter. Criteria: Invitae Variant Classification Sherloc (09022015). Collection method: clinical testing. Allele origin: germline.
Comment: This sequence change replaces arginine, which is basic and polar, with glycine, which is neutral and non-polar, at codon 1858 of the APC protein (p.Arg1858Gly). This variant is not present in population databases (gnomAD no frequency). This variant has not been reported in the literature in individuals affected with APC-related conditions. ClinVar contains an entry for this variant (Variation ID: 1494390). Advanced modeling of protein sequence and biophysical properties (such as structural, functional, and spatial information, amino acid conservation, physicochemical variation, residue mobility, and thermodynamic stability) performed at Invitae indicates that this missense variant is not expected to disrupt APC protein function with a negative predictive value of 95%. In summary, the available evidence is currently insufficient to determine the role of this variant in disease. Therefore, it has been classified as a Variant of Uncertain Significance.

Quest Diagnostics Nichols Institute San Juan Capistrano
Classification: Uncertain significance. Last evaluated: 2022-11-29. Review status: criteria provided, single submitter. Criteria: Quest Diagnostics criteria. Collection method: clinical testing. Allele origin: unknown.
Comment: To the best of our knowledge, the variant has not been reported in the published literature. It also has not been reported in large, multi-ethnic general populations. Analysis of this variant using bioinformatics tools for the prediction of the effect of amino acid changes on protein structure and function yielded predictions that this variant is damaging. Additional analysis using software algorithms for the prediction of the effect of nucleotide changes on APC mRNA splicing yielded predictions that this variant may result in the gain of a cryptic splice site without affecting the natural splice sites . Based on the available information, we are unable to determine the clinical significance of this variant.

NM_000038.6(APC):c.5572C>G (p.Arg1858Gly)

Gene: APC (APC regulator of Wnt signaling pathway; plus strand). Cytogenetic location: 5q22.2.
Variant type: single nucleotide variant.
Coding change: c.5572C>G on transcript NM_000038.6 (MANE Select); coding-DNA position 5572, C replaced by G.
Protein change: p.Arg1858Gly; replaces arginine 1858 with glycine.
Molecular consequence: missense variant.
Genome position (GRCh38, 1-based): chr5:112,841,166, C>G. VCF-style: chr5-112841166-C-G. GRCh37 (hg19) VCF-style: chr5-112176863-C-G.
Other names: c.5572C>G, p.Arg1858Gly (NM_001127510.3, NM_001354895.2); c.5518C>G, p.Arg1840Gly (NM_001127511.3); c.5626C>G, p.Arg1876Gly (NM_001354896.2); c.5602C>G, p.Arg1868Gly (NM_001354897.2); c.5497C>G, p.Arg1833Gly (NM_001354898.2); c.5488C>G, p.Arg1830Gly (NM_001354899.2); c.5449C>G, p.Arg1817Gly (NM_001354900.2); c.5395C>G, p.Arg1799Gly (NM_001354901.2); and 6 more; short protein forms R1757G, R1858G, R1868G, R1698G, R1732G, R1799G, R1575G, R1817G.
Identifiers: ClinVar variation 1494390 (VCV001494390.7), dbSNP rs1270783041, ClinGen allele CA16033524.